The following is an entry in ClinVar:

NM_000441.2(SLC26A4):c.1802del (p.Lys601fs)

Gene: SLC26A4 (solute carrier family 26 member 4; plus strand). Cytogenetic location: 7q22.3.
Variant type: Deletion.
Coding change: c.1802del on transcript NM_000441.2 (MANE Select); coding-DNA position 1802, one base deleted (A; older notation c.1802delA).
Protein change: p.Lys601fs; shifts the reading frame from lysine 601.
Molecular consequence: frameshift variant.
Genome position (GRCh38, 1-based): chr7:107,701,195, A deleted; the last of 3 consecutive A bases (chr7:107,701,193-107,701,195); deleting any one gives the same sequence. VCF-style (leftmost placement, unchanged base first): chr7-107701192-CA-C. GRCh37 (hg19) VCF-style: chr7-107341637-CA-C.
Other names: short protein forms K601fs.
Identifiers: ClinVar variation 1723960 (VCV001723960.2), dbSNP rs2535336971, ClinGen allele CA2580076163.

ClinVar aggregate classification (germline): Likely pathogenic (1 of 4 stars; one submission).

Conditions:
Pendred syndrome (PDS). Also called: Pendred Syndrome (PDS); GOITER-DEAFNESS SYNDROME; HYPOTHYROIDISM, CONGENITAL, DUE TO DYSHORMONOGENESIS, 2B; Pendred's syndrome; DEAFNESS WITH GOITER; THYROID DYSHORMONOGENESIS 2B. Identifiers: Orphanet 705, MedGen C0271829, MONDO:0010134, OMIM 274600.

Submission:

Myriad Genetics, Inc.
Classification: Likely pathogenic for Pendred syndrome. Last evaluated: 2022-01-17. Review status: criteria provided, single submitter. Criteria: Myriad Women's Health Autosomal Recessive and X-Linked Classification Criteria (2021). Collection method: clinical testing. Allele origin: unknown.
Comment: NM_000441.1(SLC26A4):c.1802delA(K601Rfs*5) is expected to be pathogenic in the context of Pendred syndrome. This variant is predicted to lead to an abnormal or absent protein product due to the creation of a premature termination codon in SLC26A4, a gene where loss-of-function variants are known to be pathogenic. Please note: this variant was assessed in the context of healthy population screening.